The following is an entry in ClinVar:

ClinVar aggregate classification (germline): Benign. Review status: criteria provided, multiple submitters, no conflicts (2 of 4 stars). 4 submissions from 4 submitters: Benign (3). 1 of the submissions does not count toward it. Last evaluated 2026-02-04.

Conditions:
CYP4F22-related disorder. Also called: CYP4F22-related condition.
Autosomal recessive congenital ichthyosis 5 (ARCI5). Also called: ICHTHYOSIS CONGENITA III; Ichthyosis, nonlamellar and nonerythrodermic, congenital, autosomal recessive. Identifiers: Orphanet 313, MedGen C1858133, MONDO:0011485, OMIM 604777.

Allele frequency attached by ClinVar (database versions not stated): ExAC 0.00878; 1000 Genomes Project 0.01797; gnomAD 0.02025 and 0.02189; 1000 Genomes Project 30x 0.02030; TOPMed 0.02269; ESP Exome Variant Server 0.02314.

Submissions (4):

Labcorp Genetics (formerly Invitae), Labcorp
Classification: Benign. Last evaluated: 2026-02-04. Review status: criteria provided, single submitter. Criteria: Invitae Variant Classification Sherloc (09022015). Collection method: clinical testing. Allele origin: germline.

Illumina Laboratory Services, Illumina
Classification: Benign for Autosomal recessive congenital ichthyosis 5. Last evaluated: 2018-01-12. Review status: criteria provided, single submitter. Criteria: ICSL Variant Classification Criteria 13 December 2019. Collection method: clinical testing. Allele origin: germline.
Comment: This variant was observed in the ICSL laboratory as part of a predisposition screen in an ostensibly healthy population. It had not been previously curated by ICSL or reported in the Human Gene Mutation Database (HGMD: prior to June 1st, 2018), and was therefore a candidate for classification through an automated scoring system. Utilizing variant allele frequency, disease prevalence and penetrance estimates, and inheritance mode, an automated score was calculated to assess if this variant is too frequent to cause the disease. Based on the score and internal cut-off values, a variant classified as benign is not then subjected to further curation. The score for this variant resulted in a classification of benign for this disease.

Breakthrough Genomics
Classification: Benign. Review status: criteria provided, single submitter. Criteria: ACMG Guidelines, 2015. Collection method: not provided. Allele origin: germline. Inheritance: Autosomal recessive inheritance. Affected: yes.

PreventionGenetics, part of Exact Sciences
Classification: Benign for CYP4F22-related condition. Last evaluated: 2019-06-19. Review status: no assertion criteria provided. Collection method: clinical testing. Allele origin: germline. Not counted in ClinVar's aggregate classification.
Comment: This variant is classified as benign based on ACMG/AMP sequence variant interpretation guidelines (Richards et al. 2015 PMID: 25741868, with internal and published modifications).

NM_173483.4(CYP4F22):c.1513A>C (p.Lys505Gln)

Gene: CYP4F22 (cytochrome P450 family 4 subfamily F member 22; plus strand). Cytogenetic location: 19p13.12.
Variant type: single nucleotide variant.
Coding change: c.1513A>C on transcript NM_173483.4 (MANE Select); coding-DNA position 1513, A replaced by C.
Protein change: p.Lys505Gln; replaces lysine 505 with glutamine.
Molecular consequence: missense variant.
Genome position (GRCh38, 1-based): chr19:15,551,388, A>C. VCF-style: chr19-15551388-A-C. GRCh37 (hg19) VCF-style: chr19-15662199-A-C.
Other names: short protein forms K505Q.
Identifiers: ClinVar variation 328447 (VCV000328447.17), dbSNP rs7256787, ClinGen allele CA9269979.
Genomic context (GRCh38, chr19:15,551,388, plus strand): 5'-TTGCGCGTGGTTGTGGCACTAACACTGCTACGTTTCCGCCTGAGCGTGGACCGAACGCGC[A>C]AGGTGCGGCGGAAGCCGGAGCTCATACTGCGCACGGAGAACGGGCTCTGGCTCAAGGTGG-3'
Protein context (NP_775754.2, residues 495-515): RFRLSVDRTR[Lys505Gln]VRRKPELILR